The following is an entry in ClinVar:

NC_000001.11:g.(?_193122191)_(193152454_?)dup

Gene: CDC73 (cell division cycle 73; plus strand). Cytogenetic location: 1q31.2.
Variant type: Duplication.
Identifiers: ClinVar variation 832330 (VCV000832330.1).

ClinVar aggregate classification (germline): Uncertain significance (1 of 4 stars; one submission).

Conditions:
Parathyroid carcinoma (PRTC). Also called: Parathyroid gland carcinoma; CDC73-Related Parathyroid Carcinoma. Identifiers: Orphanet 143, MedGen C0687150, MONDO:0012004, OMIM 608266, HP:0006780.

Submission:

Labcorp Genetics (formerly Invitae), Labcorp
Classification: Uncertain significance for Parathyroid carcinoma. Last evaluated: 2019-05-15. Review status: criteria provided, single submitter. Criteria: Invitae Variant Classification Sherloc (09022015). Collection method: clinical testing. Allele origin: germline.
Comment: This variant results in a copy number gain of the genomic region encompassing exons 1 to 10 of the CDC73 gene. The 5' end of this event is unknown as it extends beyond the assayed region for this gene and therefore may encompass additional genes. The 3' boundary is likely confined to intron 10 of the CDC73 gene, which includes the initiator codon. As the precise location of this event is unknown, it may be in tandem or it may be located elsewhere in the genome. This variant has not been reported in the literature in individuals with CDC73-related conditions. Experimental studies and prediction algorithms are not available for this variant, and the functional significance of the affected amino acid(s) is currently unknown. In summary, the available evidence is currently insufficient to determine the role of this variant in disease. Therefore, it has been classified as a Variant of Uncertain Significance.